The following is an entry in ClinVar:

NM_014679.5(CEP57):c.1075G>A (p.Glu359Lys)

Gene: CEP57 (centrosomal protein 57; plus strand). Cytogenetic location: 11q21.
Variant type: single nucleotide variant.
Coding change: c.1075G>A on transcript NM_014679.5 (MANE Select); coding-DNA position 1075, G replaced by A.
Protein change: p.Glu359Lys; replaces glutamic acid 359 with lysine.
Molecular consequence: missense variant.
Genome position (GRCh38, 1-based): chr11:95,827,975, G>A. VCF-style: chr11-95827975-G-A. GRCh37 (hg19) VCF-style: chr11-95561139-G-A.
Other names: c.1048G>A, p.Glu350Lys (NM_001243776.2); c.997G>A, p.Glu333Lys (NM_001243777.2); c.994G>A, p.Glu332Lys (NM_001363604.2); short protein forms E359K, E332K, E333K, E350K.
Identifiers: ClinVar variation 933260 (VCV000933260.8), dbSNP rs781248377, ClinGen allele CA382408403.

ClinVar aggregate classification (germline): Uncertain significance. Review status: criteria provided, multiple submitters, no conflicts (2 of 4 stars). 2 submissions from 2 submitters: Uncertain significance (2). Last evaluated 2025-06-10.

Conditions:
Inborn genetic diseases. Identifiers: MedGen C0950123, MeSH D030342.
Mosaic variegated aneuploidy syndrome 2 (MVA2). Identifiers: Orphanet 1052, MedGen C3279843, MONDO:0013582, OMIM 614114.

Allele frequency attached by ClinVar (database versions not stated): TOPMed 0.00001.
gnomAD v4.1: 8 of 1,613,874 alleles (0.0005%); highest among the groups gnomAD compares: Non-Finnish European, 0.00059%; no homozygotes.

Submissions (2):

Labcorp Genetics (formerly Invitae), Labcorp
Classification: Uncertain significance for Mosaic variegated aneuploidy syndrome 2. Last evaluated: 2025-06-10. Review status: criteria provided, single submitter. Criteria: Invitae Variant Classification Sherloc (09022015). Collection method: clinical testing. Allele origin: germline.
Comment: This sequence change replaces glutamic acid, which is acidic and polar, with lysine, which is basic and polar, at codon 359 of the CEP57 protein (p.Glu359Lys). This variant is not present in population databases (gnomAD no frequency). This variant has not been reported in the literature in individuals affected with CEP57-related conditions. ClinVar contains an entry for this variant (Variation ID: 933260). Invitae Evidence Modeling of protein sequence and biophysical properties (such as structural, functional, and spatial information, amino acid conservation, physicochemical variation, residue mobility, and thermodynamic stability) indicates that this missense variant is not expected to disrupt CEP57 protein function with a negative predictive value of 80%. In summary, the available evidence is currently insufficient to determine the role of this variant in disease. Therefore, it has been classified as a Variant of Uncertain Significance.

Ambry Genetics
Classification: Uncertain significance for Inborn genetic diseases. Last evaluated: 2025-02-19. Review status: criteria provided, single submitter. Criteria: Ambry Variant Classification Scheme 2023. Collection method: clinical testing. Allele origin: germline.
Comment: The p.E359K variant (also known as c.1075G>A), located in coding exon 9 of the CEP57 gene, results from a G to A substitution at nucleotide position 1075. The glutamic acid at codon 359 is replaced by lysine, an amino acid with similar properties. This amino acid position is conserved. In addition, this alteration is predicted to be tolerated by in silico analysis. Based on the available evidence, the clinical significance of this variant remains unclear.